The following is an entry in ClinVar:

ClinVar aggregate classification (germline): Uncertain significance. Review status: criteria provided, multiple submitters, no conflicts (2 of 4 stars). 2 submissions from 2 submitters: Uncertain significance (2). Last evaluated 2025-06-18.

Conditions:
Inborn genetic diseases. Identifiers: MedGen C0950123, MeSH D030342.

Allele frequency attached by ClinVar (database versions not stated): TOPMed 0.00004; 1000 Genomes Project 30x 0.00016; 1000 Genomes Project 0.00020.
gnomAD v4.1: 14 of 1,609,262 alleles (0.00087%); highest among the groups gnomAD compares: East Asian, 0.029%; no homozygotes.

Submissions (2):

Ambry Genetics
Classification: Uncertain significance for Inborn genetic diseases. Last evaluated: 2025-06-18. Review status: criteria provided, single submitter. Criteria: Ambry Variant Classification Scheme 2023. Collection method: clinical testing. Allele origin: germline.

Labcorp Genetics (formerly Invitae), Labcorp
Classification: Uncertain significance. Last evaluated: 2021-04-10. Review status: criteria provided, single submitter. Criteria: Invitae Variant Classification Sherloc (09022015). Collection method: clinical testing. Allele origin: germline.
Comment: This variant is present in population databases (rs528924586, ExAC 0.08%). In summary, the available evidence is currently insufficient to determine the role of this variant in disease. Therefore, it has been classified as a Variant of Uncertain Significance. Algorithms developed to predict the effect of missense changes on protein structure and function (SIFT, PolyPhen-2, Align-GVGD) all suggest that this variant is likely to be tolerated, but these predictions have not been confirmed by published functional studies and their clinical significance is uncertain. This variant has not been reported in the literature in individuals with RNF168-related conditions. This sequence change replaces serine with cysteine at codon 111 of the RNF168 protein (p.Ser111Cys). The serine residue is highly conserved and there is a moderate physicochemical difference between serine and cysteine.

NM_152617.4(RNF168):c.331A>T (p.Ser111Cys)

Gene: RNF168 (ring finger protein 168; minus strand). Cytogenetic location: 3q29.
Variant type: single nucleotide variant.
Coding change: c.331A>T on transcript NM_152617.4 (MANE Select); coding-DNA position 331, A replaced by T.
Protein change: p.Ser111Cys; replaces serine 111 with cysteine.
Molecular consequence: missense variant.
Genome position (GRCh38, 1-based): chr3:196,488,654, T>A on the plus strand (A>T on the coding strand, the complement: RNF168 is on the minus strand). VCF-style: chr3-196488654-T-A. GRCh37 (hg19) VCF-style: chr3-196215525-T-A.
Other names: c.331A>T (NM_152617.3); short protein forms S111C.
Identifiers: ClinVar variation 1000884 (VCV001000884.4), dbSNP rs528924586, ClinGen allele CA2780973.
Genomic context (GRCh38, chr3:196,488,654, plus strand): 5'-ATTTAGCACCTACCTTGCTTATTTCCTCTTCATATTCTCTTCTCAGTTCCCCAGGTTTAC[T>A]GAGCAGACGAACTGGCTGATAGTCATCAGCTATTTCATATCAAAAAAGAAAATAACATTA-3'
Protein context (NP_689830.2, residues 101-121): ADDYQPVRLL[Ser111Cys]KPGELRREYE